The following is an entry in ClinVar:

ClinVar aggregate classification (germline): Uncertain significance (0 of 4 stars; one submission).

Conditions:
COL6A3-related disorder. Also called: COL6A3-related disorders; COL6A3-related condition.

gnomAD v4.1: 4 of 1,613,424 alleles (0.00025%); highest among the groups gnomAD compares: Non-Finnish European, 0.00034%; no homozygotes.

Submission:

PreventionGenetics, part of Exact Sciences
Classification: Uncertain significance for COL6A3-related condition. Last evaluated: 2024-08-08. Review status: no assertion criteria provided. Collection method: clinical testing. Allele origin: germline.
Comment: The COL6A3 c.5512G>A variant is predicted to result in the amino acid substitution p.Asp1838Asn. To our knowledge, this variant has not been reported in the literature or in a large population database, indicating this variant is rare. At this time, the clinical significance of this variant is uncertain due to the absence of conclusive functional and genetic evidence.

NM_004369.4(COL6A3):c.5512G>A (p.Asp1838Asn)

Gene: COL6A3 (collagen type VI alpha 3 chain; minus strand). Cytogenetic location: 2q37.3.
Variant type: single nucleotide variant.
Coding change: c.5512G>A on transcript NM_004369.4 (MANE Select); coding-DNA position 5512, G replaced by A.
Protein change: p.Asp1838Asn; replaces aspartic acid 1838 with asparagine.
Molecular consequence: missense variant.
Genome position (GRCh38, 1-based): chr2:237,366,024, C>T on the plus strand (G>A on the coding strand, the complement: COL6A3 is on the minus strand). VCF-style: chr2-237366024-C-T. GRCh37 (hg19) VCF-style: chr2-238274667-C-T.
Other names: c.3691G>A, p.Asp1231Asn (NM_057166.5); c.4894G>A, p.Asp1632Asn (NM_057167.4); short protein forms D1231N, D1632N, D1838N.
Identifiers: ClinVar variation 3345284 (VCV003345284.1).
Genomic context (GRCh38, chr2:237,366,024, plus strand): 5'-AGCCCTTCTGGGCCACAAAAACATTCTGGTCTCTAGAACCATCAAACCCCAGAATCACAT[C>T]CAGATTACAAGCTGGAAAGGAGAAATGCAGGTGATGAGTTCTCAGCTGGGGCTGAGGAGA-3'
Protein context (NP_004360.2, residues 1828-1848): VTDAAKACNL[Asp1838Asn]VILGFDGSRD